The following is an entry in ClinVar:

ClinVar aggregate classification (germline): Likely benign (1 of 4 stars; one submission).

Conditions:
TRPC5-related disorder. Also called: TRPC5-related condition.

Submission:

PreventionGenetics, part of Exact Sciences
Classification: Likely benign for TRPC5-related condition. Last evaluated: 2026-04-30. Review status: criteria provided, single submitter. Criteria: ACMG Guidelines, 2015. Collection method: clinical testing. Allele origin: germline.
Comment: This variant is classified as likely benign based on ACMG/AMP sequence variant interpretation guidelines (Richards et al. 2015 PMID: 25741868, with internal and published modifications).

NM_012471.3(TRPC5):c.1500C>T (p.Asn500=)

Gene: TRPC5 (transient receptor potential cation channel subfamily C member 5; minus strand). Cytogenetic location: Xq23.
Variant type: single nucleotide variant.
Coding change: c.1500C>T on transcript NM_012471.3 (MANE Select); coding-DNA position 1500, C replaced by T.
Protein change: p.Asn500=; no amino-acid change (asparagine 500 retained).
Molecular consequence: synonymous variant.
Genome position (GRCh38, 1-based): chrX:111,847,314, G>A on the plus strand (C>T on the coding strand, the complement: TRPC5 is on the minus strand). VCF-style: chrX-111847314-G-A. GRCh37 (hg19) VCF-style: chrX-111090542-G-A.
Identifiers: ClinVar variation 4988741 (VCV004988741.1).